The following is an entry in ClinVar:

ClinVar aggregate classification (germline): Uncertain significance (1 of 4 stars; one submission).

Conditions:
Adams-Oliver syndrome 5 (AOS5). Identifiers: Orphanet 974, MedGen C4014970, MONDO:0014459, OMIM 616028.

gnomAD v4.1: 1 of 1,587,606 alleles (0.000063%); highest among the groups gnomAD compares: African/African-American, 0.0013%; no homozygotes.

Submission:

Labcorp Genetics (formerly Invitae), Labcorp
Classification: Uncertain significance for Adams-Oliver syndrome 5. Last evaluated: 2025-10-07. Review status: criteria provided, single submitter. Criteria: Invitae Variant Classification Sherloc (09022015). Collection method: clinical testing. Allele origin: germline.
Comment: This sequence change replaces serine, which is neutral and polar, with tyrosine, which is neutral and polar, at codon 1365 of the NOTCH1 protein (p.Ser1365Tyr). This variant is not present in population databases (gnomAD no frequency). This variant has not been reported in the literature in individuals affected with NOTCH1-related conditions. Invitae Evidence Modeling of protein sequence and biophysical properties (such as structural, functional, and spatial information, amino acid conservation, physicochemical variation, residue mobility, and thermodynamic stability) indicates that this missense variant is not expected to disrupt NOTCH1 protein function with a negative predictive value of 80%. In summary, the available evidence is currently insufficient to determine the role of this variant in disease. Therefore, it has been classified as a Variant of Uncertain Significance.

NM_017617.5(NOTCH1):c.4094C>A (p.Ser1365Tyr)

Gene: NOTCH1 (notch receptor 1; minus strand). Cytogenetic location: 9q34.3.
Variant type: single nucleotide variant.
Coding change: c.4094C>A on transcript NM_017617.5 (MANE Select); coding-DNA position 4094, C replaced by A.
Protein change: p.Ser1365Tyr; replaces serine 1365 with tyrosine.
Molecular consequence: missense variant.
Genome position (GRCh38, 1-based): chr9:136,505,802, G>T on the plus strand (C>A on the coding strand, the complement: NOTCH1 is on the minus strand). VCF-style: chr9-136505802-G-T. GRCh37 (hg19) VCF-style: chr9-139400254-G-T.
Other names: short protein forms S1365Y.
Identifiers: ClinVar variation 4745494 (VCV004745494.1).